The following is an entry in ClinVar:

NM_015404.4(WHRN):c.1699-128T>C

Gene: WHRN (whirlin; minus strand). Cytogenetic location: 9q32.
Variant type: single nucleotide variant.
Coding change: c.1699-128T>C on transcript NM_015404.4 (MANE Select); 128 bases into the intron before coding-DNA position 1699, T replaced by C.
Molecular consequence: intron variant.
Genome position (GRCh38, 1-based): chr9:114,407,020, A>G on the plus strand (T>C on the coding strand, the complement: WHRN is on the minus strand). VCF-style: chr9-114407020-A-G. GRCh37 (hg19) VCF-style: chr9-117169300-A-G.
Other names: c.1699-128T>C (NM_001173425.2); c.550-128T>C (NM_001083885.3); c.646-128T>C (NM_001346890.1).
Identifiers: ClinVar variation 678778 (VCV000678778.1), dbSNP rs2236388, ClinGen allele CA12998318.
Genomic context (GRCh38, chr9:114,407,020, plus strand): 5'-CAGCTGAGTGGTGCCAGGCCCAGCTGGAATTCTGTCCCCACTCTAACTGCTCTTGGCCAC[A>G]CTGCTCTGAATAATGCAACACCTGAGTGGAAAACTTCTCCCCTGCATCTCGGCAGCTGAT-3'

ClinVar aggregate classification (germline): Benign (1 of 4 stars; one submission).

Allele frequency attached by ClinVar (database versions not stated): 1000 Genomes Project 0.77875; 1000 Genomes Project 30x 0.78420; TOPMed 0.85226; gnomAD 0.86285 and 0.87038.
gnomAD v4.1: 921,544 of 1,068,276 alleles (86%); highest among the groups gnomAD compares: Non-Finnish European, 89%; 400,269 homozygotes.

Submission:

GeneDx
Classification: Benign. Last evaluated: 2018-06-14. Review status: criteria provided, single submitter. Criteria: GeneDx Variant Classification (06012015). Collection method: clinical testing. Allele origin: germline. Affected: yes.
Comment: This variant is considered likely benign or benign based on one or more of the following criteria: it is a conservative change, it occurs at a poorly conserved position in the protein, it is predicted to be benign by multiple in silico algorithms, and/or has population frequency not consistent with disease.